The following is an entry in ClinVar:

NM_024334.3(TMEM43):c.392+121C>G

Gene: TMEM43 (transmembrane protein 43; plus strand). Cytogenetic location: 3p25.1.
Variant type: single nucleotide variant.
Coding change: c.392+121C>G on transcript NM_024334.3 (MANE Select); 121 bases into the intron after coding-DNA position 392, C replaced by G.
Molecular consequence: intron variant.
Genome position (GRCh38, 1-based): chr3:14,131,795, C>G. VCF-style: chr3-14131795-C-G. GRCh37 (hg19) VCF-style: chr3-14173295-C-G.
Identifiers: ClinVar variation 673824 (VCV000673824.1), dbSNP rs56779598, ClinGen allele CA69729480.

ClinVar aggregate classification (germline): Benign (1 of 4 stars; one submission).

Allele frequency attached by ClinVar (database versions not stated): gnomAD exomes 0.00262; 1000 Genomes Project 0.02356; 1000 Genomes Project 30x 0.02498; gnomAD 0.02529; TOPMed 0.02640.

Submission:

GeneDx
Classification: Benign. Last evaluated: 2018-06-14. Review status: criteria provided, single submitter. Criteria: GeneDx Variant Classification (06012015). Collection method: clinical testing. Allele origin: germline. Affected: yes.
Comment: This variant is considered likely benign or benign based on one or more of the following criteria: it is a conservative change, it occurs at a poorly conserved position in the protein, it is predicted to be benign by multiple in silico algorithms, and/or has population frequency not consistent with disease.